The following is an entry in ClinVar:

NM_016148.5(SHANK1):c.2191G>A (p.Val731Met)

Gene: SHANK1 (SH3 and multiple ankyrin repeat domains 1; minus strand). Cytogenetic location: 19q13.33.
Variant type: single nucleotide variant.
Coding change: c.2191G>A on transcript NM_016148.5 (MANE Select); coding-DNA position 2191, G replaced by A.
Protein change: p.Val731Met; replaces valine 731 with methionine.
Molecular consequence: missense variant.
Genome position (GRCh38, 1-based): chr19:50,688,040, C>T on the plus strand (G>A on the coding strand, the complement: SHANK1 is on the minus strand). VCF-style: chr19-50688040-C-T. GRCh37 (hg19) VCF-style: chr19-51191297-C-T.
Other names: short protein forms V731M.
Identifiers: ClinVar variation 5009084 (VCV005009084.1).

ClinVar aggregate classification (germline): Uncertain significance (1 of 4 stars; one submission).

Submission:

GeneDx
Classification: Uncertain significance. Last evaluated: 2026-03-11. Review status: criteria provided, single submitter. Criteria: GeneDx Variant Classification Process June 2021. Collection method: clinical testing. Allele origin: germline.
Comment: Not observed at significant frequency in large population cohorts (gnomAD); In silico analysis supports that this missense variant has a deleterious effect on protein structure/function; Has not been previously published as pathogenic or benign to our knowledge.